The following is an entry in ClinVar:

ClinVar aggregate classification (germline): Pathogenic. Review status: criteria provided, multiple submitters, no conflicts (2 of 4 stars). 5 submissions from 5 submitters: Pathogenic (4). 1 of the submissions does not count toward it. Last evaluated 2025-08-08.

Conditions:
ABCA4-related disorder. Also called: ABCA4-related condition; ABCA4-related disorders. Identifiers: MedGen CN239167.
Retinal dystrophy. Also called: Inherited retinal dystrophy. Identifiers: Orphanet 71862, MedGen C0854723, MeSH D058499, MONDO:0019118, HP:0000556.

Submissions (5):

Labcorp Genetics (formerly Invitae), Labcorp
Classification: Pathogenic. Last evaluated: 2025-08-08. Review status: criteria provided, single submitter. Criteria: Invitae Variant Classification Sherloc (09022015). Collection method: clinical testing. Allele origin: germline.
Comment: This sequence change creates a premature translational stop signal (p.Leu37Trpfs*3) in the ABCA4 gene. It is expected to result in an absent or disrupted protein product. Loss-of-function variants in ABCA4 are known to be pathogenic (PMID: 10958761, 24938718, 25312043, 26780318). This variant is not present in population databases (gnomAD no frequency). This premature translational stop signal has been observed in individual(s) with Stargardt disease (PMID: 10090887, 32531858). ClinVar contains an entry for this variant (Variation ID: 99030). For these reasons, this variant has been classified as Pathogenic.

CeGaT Center for Human Genetics Tuebingen
Classification: Pathogenic. Last evaluated: 2023-04-01. Review status: criteria provided, single submitter. Criteria: CeGaT Center For Human Genetics Tuebingen Variant Classification Criteria Version 2. Collection method: clinical testing. Allele origin: germline. Affected: yes. Observed: 2 variant alleles.
Comment: ABCA4: PVS1, PM3:Strong, PM2

Blueprint Genetics
Classification: Pathogenic for ABCA4-related disorders. Last evaluated: 2020-07-07. Review status: criteria provided, single submitter. Criteria: ACMG Guidelines, 2015. Collection method: clinical testing. Allele origin: germline. Affected: yes. Observed: 4 variant alleles.

Institute of Human Genetics, Univ. Regensburg, Univ. Regensburg
Classification: Pathogenic for Retinal dystrophy. Last evaluated: 2020-01-01. Review status: criteria provided, single submitter. Criteria: ACMG Guidelines, 2015. Collection method: clinical testing. Allele origin: germline. Affected: yes.

Retina International
No classification provided. Review status: no classification provided. Collection method: not provided. Allele origin: not provided. Not counted in ClinVar's aggregate classification.

Literature cited by the submitters: PubMed 10958761 (cited by Labcorp Genetics (formerly Invitae), Labcorp); PubMed 24938718 (cited by Labcorp Genetics (formerly Invitae), Labcorp); PubMed 25312043 (cited by Labcorp Genetics (formerly Invitae), Labcorp); PubMed 26780318 (cited by Labcorp Genetics (formerly Invitae), Labcorp); PubMed 10090887 (cited by Labcorp Genetics (formerly Invitae), Labcorp and Institute of Human Genetics, Univ. Regensburg, Univ. Regensburg); PubMed 32531858 (cited by Labcorp Genetics (formerly Invitae), Labcorp); PubMed 3253185 (cited by Institute of Human Genetics, Univ. Regensburg, Univ. Regensburg).

NM_000350.3(ABCA4):c.108del (p.Leu37fs)

Gene: ABCA4 (ATP binding cassette subfamily A member 4; minus strand). Cytogenetic location: 1p22.1.
Variant type: Deletion.
Coding change: c.108del on transcript NM_000350.3 (MANE Select); coding-DNA position 108, one base deleted (T; older notation c.108delT).
Protein change: p.Leu37fs; shifts the reading frame from leucine 37.
Molecular consequence: frameshift variant.
Genome position (GRCh38, 1-based): chr1:94,113,025, A deleted on the plus strand (T on the coding strand, the reverse complement: ABCA4 is on the minus strand); the first of 3 consecutive A bases (chr1:94,113,025-94,113,027); deleting any one gives the same sequence. VCF-style (leftmost placement, unchanged base first): chr1-94113024-GA-G. GRCh37 (hg19) VCF-style: chr1-94578580-GA-G.
Other names: c.108del (NM_000350.2); c.106delT, p.Leu37Trpfs (NM_001425324.1); short protein forms L37fs.
Identifiers: ClinVar variation 99030 (VCV000099030.47), dbSNP rs62642569, ClinGen allele CA226868.
Genomic context (GRCh38, chr1:94,113,024, plus strand): 5'-TATGCTTACATTCATGATGGCTGTAGAGTGGGTTGGCATTCCTTAACCAGATCAAGACCA[GA>G]AATAAAGATAAAGGCCACACGAGTTCCACCACAAAGCGAATCTGGAAAAACAAAACAAAA-3'